The following is an entry in ClinVar:

ClinVar aggregate classification (germline): Uncertain significance. Review status: criteria provided, multiple submitters, no conflicts (2 of 4 stars). 2 submissions from 2 submitters: Uncertain significance (2). Last evaluated 2025-08-12.

Conditions:
Developmental and epileptic encephalopathy, 30 (DEE30). Also called: Epileptic encephalopathy, early infantile, 30. Identifiers: MedGen C4225360, MONDO:0014595, OMIM 616341.
Inborn genetic diseases. Identifiers: MedGen C0950123, MeSH D030342.

Submissions (2):

Ambry Genetics
Classification: Uncertain significance for Inborn genetic diseases. Last evaluated: 2025-08-12. Review status: criteria provided, single submitter. Criteria: Ambry Variant Classification Scheme 2023. Collection method: clinical testing. Allele origin: germline.

Labcorp Genetics (formerly Invitae), Labcorp
Classification: Uncertain significance for Developmental and epileptic encephalopathy, 30. Last evaluated: 2023-03-14. Review status: criteria provided, single submitter. Criteria: Invitae Variant Classification Sherloc (09022015). Collection method: clinical testing. Allele origin: germline.
Comment: In summary, the available evidence is currently insufficient to determine the role of this variant in disease. Therefore, it has been classified as a Variant of Uncertain Significance. Advanced modeling of protein sequence and biophysical properties (such as structural, functional, and spatial information, amino acid conservation, physicochemical variation, residue mobility, and thermodynamic stability) performed at Invitae indicates that this missense variant is not expected to disrupt SIK1 protein function. This variant has not been reported in the literature in individuals affected with SIK1-related conditions. The frequency data for this variant in the population databases is considered unreliable, as metrics indicate poor data quality at this position in the gnomAD database. This sequence change replaces aspartic acid, which is acidic and polar, with tyrosine, which is neutral and polar, at codon 10 of the SIK1 protein (p.Asp10Tyr).

NM_173354.5(SIK1):c.28G>T (p.Asp10Tyr)

Gene: SIK1 (salt inducible kinase 1; minus strand). Cytogenetic location: 21q22.3.
Variant type: single nucleotide variant.
Coding change: c.28G>T on transcript NM_173354.5 (MANE Select); coding-DNA position 28, G replaced by T.
Protein change: p.Asp10Tyr; replaces aspartic acid 10 with tyrosine.
Molecular consequence: missense variant.
Genome position (GRCh38, 1-based): chr21:43,426,151, C>A on the plus strand (G>T on the coding strand, the complement: SIK1 is on the minus strand). VCF-style: chr21-43426151-C-A. GRCh37 (hg19) VCF-style: chr21-44846031-C-A.
Other names: c.28G>T (NM_173354.3); short protein forms D10Y.
Identifiers: ClinVar variation 2697209 (VCV002697209.4), dbSNP rs1282402694, ClinGen allele CA410611165.
Genomic context (GRCh38, chr21:43,426,151, plus strand): 5'-CGATGTCGTAAAAACCCACCCGGAGGGGCTTCTGCTGGCCCTGACCCTGGCCCGCGGGGT[C>A]CGCGCTGAACTCCGACATGATAACCATGGCTCCGCGCGCACCTGCGGGGCCGCACAGAGC-3'
Protein context (NP_775490.2, residues 1-20): MVIMSEFSA[Asp10Tyr]PAGQGQGQQK